The following is an entry in ClinVar:

ClinVar aggregate classification (germline): Conflicting classifications of pathogenicity. Review status: criteria provided, conflicting classifications (1 of 4 stars). 5 submissions from 5 submitters: Uncertain significance (1); Benign (1); Likely benign (3). Last evaluated 2026-06-01.

Conditions:
ADNP-related disorder. Also called: ADNP-related condition.
Inborn genetic diseases. Identifiers: MedGen C0950123, MeSH D030342.

Allele frequency attached by ClinVar (database versions not stated): gnomAD 0.00001; gnomAD exomes 0.00001; TOPMed 0.00001.

Submissions (5):

CeGaT Center for Human Genetics Tuebingen
Classification: Likely benign. Last evaluated: 2026-06-01. Review status: criteria provided, single submitter. Criteria: CeGaT Center For Human Genetics Tuebingen Variant Classification Criteria Version 2. Collection method: clinical testing. Allele origin: germline. Affected: yes. Observed: 1 variant allele.
Comment: ADNP: BP4, BS2

Ambry Genetics
Classification: Likely benign for Inborn genetic diseases. Last evaluated: 2025-10-28. Review status: criteria provided, single submitter. Criteria: Ambry Variant Classification Scheme 2023. Collection method: clinical testing. Allele origin: germline.

Labcorp Genetics (formerly Invitae), Labcorp
Classification: Uncertain significance. Last evaluated: 2025-10-03. Review status: criteria provided, single submitter. Criteria: Invitae Variant Classification Sherloc (09022015). Collection method: clinical testing. Allele origin: germline.
Comment: This sequence change replaces serine, which is neutral and polar, with cysteine, which is neutral and slightly polar, at codon 289 of the ADNP protein (p.Ser289Cys). This variant is present in population databases (no rsID available, gnomAD 0.004%). This variant has not been reported in the literature in individuals affected with ADNP-related conditions. ClinVar contains an entry for this variant (Variation ID: 2713270). An algorithm developed to predict the effect of missense changes on protein structure and function (PolyPhen-2) suggests that this variant is likely to be disruptive. In summary, the available evidence is currently insufficient to determine the role of this variant in disease. Therefore, it has been classified as a Variant of Uncertain Significance.

PreventionGenetics, part of Exact Sciences
Classification: Likely benign for ADNP-related condition. Last evaluated: 2025-04-29. Review status: criteria provided, single submitter. Criteria: ACMG Guidelines, 2015. Collection method: clinical testing. Allele origin: germline.
Comment: This variant is classified as likely benign based on ACMG/AMP sequence variant interpretation guidelines (Richards et al. 2015 PMID: 25741868, with internal and published modifications).

Laboratory of Genetics, Children's Clinical University Hospital Latvia
Classification: Benign. Last evaluated: 2025-02-16. Review status: criteria provided, single submitter. Criteria: ACMG Guidelines, 2015. Collection method: clinical testing. Allele origin: germline. Affected: yes.

NM_001282531.3(ADNP):c.866C>G (p.Ser289Cys)

Gene: ADNP (activity dependent neuroprotector homeobox; minus strand). Cytogenetic location: 20q13.13.
Variant type: single nucleotide variant.
Coding change: c.866C>G on transcript NM_001282531.3 (MANE Select); coding-DNA position 866, C replaced by G.
Protein change: p.Ser289Cys; replaces serine 289 with cysteine.
Molecular consequence: missense variant.
Genome position (GRCh38, 1-based): chr20:50,893,848, G>C on the plus strand (C>G on the coding strand, the complement: ADNP is on the minus strand). VCF-style: chr20-50893848-G-C. GRCh37 (hg19) VCF-style: chr20-49510385-G-C.
Other names: c.866C>G, p.Ser289Cys (NM_001347511.2, NM_015339.5, NM_181442.4 and 1 more transcripts); c.866C>G (NM_015339.2, NM_001282531.2); short protein forms S289C.
Identifiers: ClinVar variation 2713270 (VCV002713270.8), dbSNP rs1005810029, ClinGen allele CA315258147.